The following is an entry in ClinVar:

ClinVar aggregate classification (germline): Uncertain significance (1 of 4 stars; one submission).

Submission:

GeneDx
Classification: Uncertain significance. Last evaluated: 2026-03-25. Review status: criteria provided, single submitter. Criteria: GeneDx Variant Classification Process June 2021. Collection method: clinical testing. Allele origin: germline.
Comment: Not observed at significant frequency in large population cohorts (gnomAD); Has not been previously published as pathogenic or benign to our knowledge; In silico analysis suggests this variant may impact gene splicing. In the absence of RNA/functional studies, the actual effect of this sequence change is unknown.

NM_001190274.2(FBXO11):c.516G>T (p.Leu172=)

Gene: FBXO11 (F-box protein 11; minus strand). Cytogenetic location: 2p16.3.
Variant type: single nucleotide variant.
Coding change: c.516G>T on transcript NM_001190274.2 (MANE Select); coding-DNA position 516, G replaced by T.
Protein change: p.Leu172=; no amino-acid change (leucine 172 retained).
Molecular consequence: synonymous variant.
Genome position (GRCh38, 1-based): chr2:47,838,930, C>A on the plus strand (G>T on the coding strand, the complement: FBXO11 is on the minus strand). VCF-style: chr2-47838930-C-A. GRCh37 (hg19) VCF-style: chr2-48066069-C-A.
Other names: c.264G>T, p.Leu88= (NM_001374325.1, NM_025133.4).
Identifiers: ClinVar variation 5017567 (VCV005017567.1).